The following is an entry in ClinVar:

ClinVar aggregate classification (germline): Uncertain significance. Review status: criteria provided, multiple submitters, no conflicts (2 of 4 stars). 2 submissions from 2 submitters: Uncertain significance (2). Last evaluated 2025-01-09.

Allele frequency attached by ClinVar (database versions not stated): ExAC 0.00001; TOPMed 0.00002; gnomAD 0.00001; ESP Exome Variant Server 0.00008; gnomAD exomes 0.00001.
gnomAD v4.1: 9 of 1,573,346 alleles (0.00057%); highest among the groups gnomAD compares: Non-Finnish European, 0.00077%; no homozygotes.

Submissions (2):

Ambry Genetics
Classification: Uncertain significance. Last evaluated: 2025-01-09. Review status: criteria provided, single submitter. Criteria: Ambry Variant Classification Scheme 2023. Collection method: clinical testing. Allele origin: germline.

Labcorp Genetics (formerly Invitae), Labcorp
Classification: Uncertain significance. Last evaluated: 2022-08-16. Review status: criteria provided, single submitter. Criteria: Invitae Variant Classification Sherloc (09022015). Collection method: clinical testing. Allele origin: germline.
Comment: Algorithms developed to predict the effect of sequence changes on RNA splicing suggest that this variant may create or strengthen a splice site. In summary, the available evidence is currently insufficient to determine the role of this variant in disease. Therefore, it has been classified as a Variant of Uncertain Significance. This sequence change replaces aspartic acid, which is acidic and polar, with tyrosine, which is neutral and polar, at codon 631 of the DHX32 protein (p.Asp631Tyr). This variant is present in population databases (rs369261174, gnomAD 0.001%). Algorithms developed to predict the effect of missense changes on protein structure and function (SIFT, PolyPhen-2, Align-GVGD) all suggest that this variant is likely to be disruptive. This variant has not been reported in the literature in individuals affected with DHX32-related conditions.

NM_018180.3(DHX32):c.1891G>T (p.Asp631Tyr)

Genes: BCCIP (BRCA2 and CDKN1A interacting protein; plus strand), DHX32 (DEAH-box helicase 32 (putative); minus strand). Cytogenetic location: 10q26.2.
Variant type: single nucleotide variant.
Coding change: c.1891G>T on transcript NM_018180.3 (MANE Select); coding-DNA position 1891, G replaced by T.
Protein change: p.Asp631Tyr; replaces aspartic acid 631 with tyrosine.
Molecular consequence: missense variant. On other transcripts: intron variant (2).
Genome position (GRCh38, 1-based): chr10:125,838,378, C>A on the plus strand (G>T on the coding strand, the complement: DHX32 is on the minus strand). VCF-style: chr10-125838378-C-A. GRCh37 (hg19) VCF-style: chr10-127526947-C-A.
Other names: c.775-2877C>A (NM_016567.4, NM_078469.3); short protein forms D631Y.
Identifiers: ClinVar variation 1917400 (VCV001917400.5), dbSNP rs369261174, ClinGen allele CA5739013.